The following is an entry in ClinVar:

NM_024675.4(PALB2):c.1741T>C (p.Leu581=)

Gene: PALB2 (partner and localizer of BRCA2; minus strand). Cytogenetic location: 16p12.2.
Variant type: single nucleotide variant.
Coding change: c.1741T>C on transcript NM_024675.4 (MANE Select); coding-DNA position 1741, T replaced by C.
Protein change: p.Leu581=; no amino-acid change (leucine 581 retained).
Molecular consequence: synonymous variant. On other transcripts: 5 prime UTR variant (2), intron variant (1).
Genome position (GRCh38, 1-based): chr16:23,630,413, A>G on the plus strand (T>C on the coding strand, the complement: PALB2 is on the minus strand). VCF-style: chr16-23630413-A-G. GRCh37 (hg19) VCF-style: chr16-23641734-A-G.
Other names: c.1681T>C, p.Leu561= (NM_001407296.1); c.1741T>C, p.Leu581= (NM_001407297.1, NM_001407298.1, NM_001407299.1 and 3 more transcripts); c.856T>C, p.Leu286= (NM_001407304.1, NM_001407305.1, NM_001407306.1 and 5 more transcripts); c.-48T>C (NM_001407312.1, NM_001407313.1); c.49-1138T>C (NM_001407314.1).
Identifiers: ClinVar variation 1779212 (VCV001779212.5), dbSNP rs2142390373, ClinGen allele CA494461403.

ClinVar aggregate classification (germline): Benign/Likely benign. Review status: criteria provided, multiple submitters, no conflicts (2 of 4 stars). 3 submissions from 3 submitters: Benign (1); Likely benign (2). Last evaluated 2025-01-14.

Conditions:
Hereditary cancer-predisposing syndrome. Also called: Neoplastic Syndromes, Hereditary; Tumor predisposition; Hereditary Cancer Syndrome; Hereditary neoplastic syndrome. Identifiers: Orphanet 140162, MedGen C0027672, MeSH D009386, MONDO:0015356.
Familial cancer of breast. Also called: BREAST CANCER, FAMILIAL; Hereditary breast cancer; hereditary breast carcinoma. Identifiers: Orphanet 227535, MedGen C0346153, MONDO:0016419, OMIM 114480. Disease mechanism: loss of function.

Submissions (3):

Myriad Genetics, Inc.
Classification: Benign for Familial cancer of breast. Last evaluated: 2025-01-14. Review status: criteria provided, single submitter. Criteria: Myriad Autosomal Dominant, Autosomal Recessive and X-Linked Classification Criteria (2023). Collection method: clinical testing. Allele origin: unknown.
Comment: This variant is considered benign. This variant is a silent/synonymous amino acid change and it is not expected to impact splicing.

Labcorp Genetics (formerly Invitae), Labcorp
Classification: Likely benign for Familial cancer of breast. Last evaluated: 2024-07-21. Review status: criteria provided, single submitter. Criteria: Invitae Variant Classification Sherloc (09022015). Collection method: clinical testing. Allele origin: germline.

Ambry Genetics
Classification: Likely benign for Hereditary cancer-predisposing syndrome. Last evaluated: 2021-12-11. Review status: criteria provided, single submitter. Criteria: Ambry Variant Classification Scheme 2023. Collection method: clinical testing. Allele origin: germline.